The following is an entry in ClinVar:

ClinVar aggregate classification (germline): Uncertain significance (1 of 4 stars; one submission).

Allele frequency attached by ClinVar (database versions not stated): gnomAD 0.00001.
gnomAD v4.1: 1 of 1,613,708 alleles (0.000062%); highest among the groups gnomAD compares: African/African-American, 0.0013%; no homozygotes.

Submission:

Labcorp Genetics (formerly Invitae), Labcorp
Classification: Uncertain significance. Last evaluated: 2022-04-21. Review status: criteria provided, single submitter. Criteria: Invitae Variant Classification Sherloc (09022015). Collection method: clinical testing. Allele origin: germline.
Comment: In summary, the available evidence is currently insufficient to determine the role of this variant in disease. Therefore, it has been classified as a Variant of Uncertain Significance. Algorithms developed to predict the effect of missense changes on protein structure and function output the following: SIFT: "Deleterious"; PolyPhen-2: "Benign"; Align-GVGD: "Class C0". The threonine amino acid residue is found in multiple mammalian species, which suggests that this missense change does not adversely affect protein function. This variant has not been reported in the literature in individuals affected with DISP1-related conditions. This variant is not present in population databases (gnomAD no frequency). This sequence change replaces alanine, which is neutral and non-polar, with threonine, which is neutral and polar, at codon 1365 of the DISP1 protein (p.Ala1365Thr).

NM_001377229.1(DISP1):c.4093G>A (p.Ala1365Thr)

Gene: DISP1 (dispatched RND transporter family member 1; plus strand). Cytogenetic location: 1q41.
Variant type: single nucleotide variant.
Coding change: c.4093G>A on transcript NM_001377229.1 (MANE Select); coding-DNA position 4093, G replaced by A.
Protein change: p.Ala1365Thr; replaces alanine 1365 with threonine.
Molecular consequence: missense variant.
Genome position (GRCh38, 1-based): chr1:223,005,490, G>A. VCF-style: chr1-223005490-G-A. GRCh37 (hg19) VCF-style: chr1-223178832-G-A.
Other names: c.3364G>A, p.Ala1122Thr (NM_001350630.2); c.4093G>A, p.Ala1365Thr (NM_001369594.1, NM_001377228.1, NM_032890.5); short protein forms A1365T, A1122T.
Identifiers: ClinVar variation 2123239 (VCV002123239.4), dbSNP rs1679837427, ClinGen allele CA344693035.